The following is an entry in ClinVar:

ClinVar aggregate classification (germline): Uncertain significance (1 of 4 stars; one submission).

Conditions:
Charcot-Marie-Tooth disease type 2. Also called: Charcot-Marie-Tooth type 2. Identifiers: Orphanet 64746, MedGen C0270914, MONDO:0018993.

Allele frequency attached by ClinVar (database versions not stated): TOPMed 0.00002; gnomAD exomes 0.00001.

Submission:

Labcorp Genetics (formerly Invitae), Labcorp
Classification: Uncertain significance for Charcot-Marie-Tooth disease type 2. Last evaluated: 2021-08-27. Review status: criteria provided, single submitter. Criteria: Invitae Variant Classification Sherloc (09022015). Collection method: clinical testing. Allele origin: germline.
Comment: This sequence change replaces glycine with arginine at codon 538 of the GARS protein (p.Gly538Arg). The glycine residue is highly conserved and there is a moderate physicochemical difference between glycine and arginine. This variant is not present in population databases (ExAC no frequency). This variant has not been reported in the literature in individuals affected with GARS-related conditions. Algorithms developed to predict the effect of missense changes on protein structure and function are either unavailable or do not agree on the potential impact of this missense change (SIFT: "Deleterious"; PolyPhen-2: "Probably Damaging"; Align-GVGD: "Class C0"). In summary, the available evidence is currently insufficient to determine the role of this variant in disease. Therefore, it has been classified as a Variant of Uncertain Significance.

NM_002047.4(GARS1):c.1612G>C (p.Gly538Arg)

Gene: GARS1 (glycyl-tRNA synthetase 1; plus strand). Cytogenetic location: 7p14.3.
Variant type: single nucleotide variant.
Coding change: c.1612G>C on transcript NM_002047.4 (MANE Select); coding-DNA position 1612, G replaced by C.
Protein change: p.Gly538Arg; replaces glycine 538 with arginine.
Molecular consequence: missense variant.
Genome position (GRCh38, 1-based): chr7:30,622,461, G>C. VCF-style: chr7-30622461-G-C. GRCh37 (hg19) VCF-style: chr7-30662077-G-C.
Other names: c.1450G>C, p.Gly484Arg (NM_001316772.1); short protein forms G484R, G538R.
Identifiers: ClinVar variation 1026748 (VCV001026748.6), dbSNP rs1415135637, ClinGen allele CA367129181.